The following is an entry in ClinVar:

ClinVar aggregate classification (germline): Uncertain significance (1 of 4 stars; one submission).

Submission:

Women's Health and Genetics/Laboratory Corporation of America, LabCorp
Classification: Uncertain significance. Last evaluated: 2024-03-19. Review status: criteria provided, single submitter. Criteria: LabCorp Variant Classification Summary - May 2015. Collection method: clinical testing. Allele origin: germline.
Comment: Variant summary: ATP7B c.2753A>G (p.Asp918Gly) results in a non-conservative amino acid change in the encoded protein sequence. Five of five in-silico tools predict a damaging effect of the variant on protein function. The variant was absent in 248766 control chromosomes. The available data on variant occurrences in the general population are insufficient to allow any conclusion about variant significance. To our knowledge, no occurrence of c.2753A>G in individuals affected with Wilson Disease and no experimental evidence demonstrating its impact on protein function have been reported. No submitters have cited clinical-significance assessments for this variant to ClinVar. Based on the evidence outlined above, the variant was classified as uncertain significance.

NM_000053.4(ATP7B):c.2753A>G (p.Asp918Gly)

Gene: ATP7B (ATPase copper transporting beta; minus strand). Cytogenetic location: 13q14.3.
Variant type: single nucleotide variant.
Coding change: c.2753A>G on transcript NM_000053.4 (MANE Select); coding-DNA position 2753, A replaced by G.
Protein change: p.Asp918Gly; replaces aspartic acid 918 with glycine.
Molecular consequence: missense variant. On other transcripts: intron variant (3).
Genome position (GRCh38, 1-based): chr13:51,949,774, T>C on the plus strand (A>G on the coding strand, the complement: ATP7B is on the minus strand). VCF-style: chr13-51949774-T-C. GRCh37 (hg19) VCF-style: chr13-52523910-T-C.
Other names: c.2720A>G, p.Asp907Gly (NM_001406514.1); c.2609A>G, p.Asp870Gly (NM_001406521.1, NM_001406520.1, NM_001406522.1 and 1 more transcripts); c.2657A>G, p.Asp886Gly (NM_001406517.1, NM_001406518.1); c.2753A>G, p.Asp918Gly (NM_001406515.1, NM_001406516.1, NM_001406511.1 and 5 more transcripts); c.2420A>G, p.Asp807Gly (NM_001243182.2); c.2519A>G, p.Asp840Gly (NM_001330578.2, NM_001406527.1, NM_001406528.1 and 2 more transcripts); c.2501A>G, p.Asp834Gly (NM_001330579.2, NM_001406531.1, NM_001406532.1 and 1 more transcripts); c.2576A>G, p.Asp859Gly (NM_001406524.1); and 10 more; short protein forms D870G, D886G, D907G, D918G, D488G, D702G, D724G, D756G.
Identifiers: ClinVar variation 3233868 (VCV003233868.2), dbSNP rs1245497484, ClinGen allele CA388033860.